The following is an entry in ClinVar:

ClinVar aggregate classification (germline): Likely benign (1 of 4 stars; one submission).

Allele frequency attached by ClinVar (database versions not stated): ExAC 0.07143.

Submission:

CeGaT Center for Human Genetics Tuebingen
Classification: Likely benign. Last evaluated: 2022-12-01. Review status: criteria provided, single submitter. Criteria: CeGaT Center For Human Genetics Tuebingen Variant Classification Criteria Version 2. Collection method: clinical testing. Allele origin: germline. Affected: yes. Observed: 1 variant allele.
Comment: MUC12: BP4, BP7

NM_001164462.2(MUC12):c.4521C>T (p.Phe1507=)

Gene: MUC12 (mucin 12, cell surface associated; plus strand). Cytogenetic location: 7q22.1.
Variant type: single nucleotide variant.
Coding change: c.4521C>T on transcript NM_001164462.2 (MANE Select); coding-DNA position 4521, C replaced by T.
Protein change: p.Phe1507=; no amino-acid change (phenylalanine 1507 retained).
Molecular consequence: synonymous variant.
Genome position (GRCh38, 1-based): chr7:100,995,084, C>T. VCF-style: chr7-100995084-C-T. GRCh37 (hg19) VCF-style: chr7-100638365-C-T.
Identifiers: ClinVar variation 2657810 (VCV002657810.24), dbSNP rs756028498, ClinGen allele CA4399583.
Genomic context (GRCh38, chr7:100,995,084, plus strand): 5'-CCGTAGTGAGGAATCAACAACAGTCCACAGCAGCCCAGGTGCAACTGGAACAGCACTCTT[C>T]CCTACCCGCTCTGCAACCTCAGTTCTTGTTGGAGAACCTACAACGTCACCCATCAGTTCA-3'
Protein context (NP_001157934.1, residues 1497-1517): SSPGATGTAL[Phe1507=]PTRSATSVLV